The following is an entry in ClinVar:

NM_053025.4(MYLK):c.3146_3147insAATGGGCAACGCCAAGCCTGCTGAGACCCTGAAGCCAATGGGCAACGCCAAGCCTGCCGAGACCCTGAAGCC (p.1032AETLKPMGNAKP[4])

Gene: MYLK (myosin light chain kinase; minus strand). Cytogenetic location: 3q21.1.
Variant type: Insertion.
Coding change: c.3146_3147insAATGGGCAACGCCAAGCCTGCTGAGACCCTGAAGCCAATGGGCAACGCCAAGCCTGCCGAGACCCTGAAGCC on transcript NM_053025.4 (MANE Select); coding-DNA positions 3146 to 3147, AATGGGCAACGCCAAGCCTGCTGAGACCCTGAAGCCAATGGGCAACGCCAAGCCTGCCGAGACCCTGAAGCC inserted.
Protein change: p.1032AETLKPMGNAKP[4].
Molecular consequence: inframe insertion.
Genome position: GRCh38: chr3:123,700,391-123,700,392. GRCh37 (hg19): chr3:123,419,238-123,419,239.
Other names: c.2618_2619insAATGGGCAACGCCAAGCCTGCTGAGACCCTGAAGCCAATGGGCAACGCCAAGCCTGCCGAGACCCTGAAGCC, p.856AETLKPMGNAKP[4] (NM_001321309.2); c.2939_2940insAATGGGCAACGCCAAGCCTGCTGAGACCCTGAAGCCAATGGGCAACGCCAAGCCTGCCGAGACCCTGAAGCC, p.963AETLKPMGNAKP[4] (NM_053026.4, NM_053028.4); c.3146_3147insAATGGGCAACGCCAAGCCTGCTGAGACCCTGAAGCCAATGGGCAACGCCAAGCCTGCCGAGACCCTGAAGCC, p.1032AETLKPMGNAKP[4] (NM_053027.4).
Identifiers: ClinVar variation 1423563 (VCV001423563.8), dbSNP rs2108579335, ClinGen allele CA2573136421.

ClinVar aggregate classification (germline): Uncertain significance (1 of 4 stars; one submission).

Conditions:
Aortic aneurysm, familial thoracic 7 (AAT7). Also called: AORTIC DISSECTION, FAMILIAL, WITH OR WITHOUT AORTIC ANEURYSM. Identifiers: MedGen C3151077, MONDO:0013418, OMIM 613780.

Submission:

Labcorp Genetics (formerly Invitae), Labcorp
Classification: Uncertain significance for Aortic aneurysm, familial thoracic 7. Last evaluated: 2023-03-26. Review status: criteria provided, single submitter. Criteria: Invitae Variant Classification Sherloc (09022015). Collection method: clinical testing. Allele origin: germline.
Comment: This variant, c.3146_3147insAATGGGCAACGCCAAGCCTGCTGAGACCCTGAAGCCAATGGGCAACGCCAAGCCTGCCGAGACCCTGAAGCC, results in the insertion of 24 amino acid(s) of the MYLK protein (p.Ala1032_Pro1055dup), but otherwise preserves the integrity of the reading frame. This variant is not present in population databases (gnomAD no frequency). This variant has not been reported in the literature in individuals affected with MYLK-related conditions. ClinVar contains an entry for this variant (Variation ID: 1423563). Experimental studies and prediction algorithms are not available or were not evaluated, and the functional significance of this variant is currently unknown. In summary, the available evidence is currently insufficient to determine the role of this variant in disease. Therefore, it has been classified as a Variant of Uncertain Significance.